The following is an entry in ClinVar:

ClinVar aggregate classification (germline): Pathogenic/Likely pathogenic. Review status: criteria provided, multiple submitters, no conflicts (2 of 4 stars). 4 submissions from 4 submitters: Pathogenic (1); Likely pathogenic (3). Last evaluated 2025-12-08.

Conditions:
Marfan syndrome (MFS). Also called: Marfan syndrome type 1; Marfan's syndrome; FBN1-Related Marfan Syndrome; MARFAN SYNDROME, TYPE I; Marfan syndrome, classic. Identifiers: Orphanet 284963, Orphanet 558, MedGen C0024796, MONDO:0007947, OMIM 154700.
Familial thoracic aortic aneurysm and aortic dissection (TAAD). Also called: Thoracic aortic aneurysms and dissections. Identifiers: Orphanet 91387, MedGen C4707243, MONDO:0019625.
FBN1-related disorder. Also called: FBN1-related disorders.

Allele frequency attached by ClinVar (database versions not stated): gnomAD exomes below 0.00001.
gnomAD v4.1: 1 of 1,592,142 alleles (0.000063%); highest among the groups gnomAD compares: Non-Finnish European, 0.000086%; no homozygotes.

Submissions (4):

PreventionGenetics, part of Exact Sciences
Classification: Likely pathogenic for FBN1-related condition. Last evaluated: 2025-12-08. Review status: criteria provided, single submitter. Criteria: ACMG Guidelines, 2015. Collection method: clinical testing. Allele origin: germline.
Comment: The FBN1 c.2729-2A>G variant is predicted to disrupt the AG splice acceptor site and interfere with normal splicing. This variant was reported in an individual with Marfan syndrome (Marinakis et al. 2021. PubMed ID: 34008892). This variant has not been reported in a large population database (gnomAD), indicating this variant is rare. Variants that disrupt the consensus splice acceptor site in FBN1 are expected to be pathogenic. This variant is interpreted as likely pathogenic.

Ambry Genetics
Classification: Likely pathogenic for Familial thoracic aortic aneurysm and aortic dissection. Last evaluated: 2022-07-05. Review status: criteria provided, single submitter. Criteria: Ambry Variant Classification Scheme 2023. Collection method: clinical testing. Allele origin: germline.
Comment: The c.2729-2A>G intronic variant results from an A to G substitution two nucleotides upstream from coding exon 23 in the FBN1 gene. Alterations that disrupt the canonical splice site are expected to result in aberrant splicing. In silico splice site analysis predicts that this alteration will weaken the native splice acceptor site and will result in the creation or strengthening of a novel splice acceptor site. The resulting transcript is predicted to be in-frame and is not expected to trigger nonsense-mediated mRNAdecay; however, direct evidence is unavailable. The exact functional effect of the altered amino acid sequence is unknown; however, this variant is predicted to impact the calcium-binding consensus sequence of a cbEGF domain and is expected to disrupt FBN1 function (Handford PA et al. Nature. 1991; 351(6322):164-7; Ambry internal data). This variant has been reported in several individuals with a clinical diagnosis of or features consistent with Marfan syndrome (Marinakis NM et al. Am J Med Genet A, 2021 08;185:2561-2571; Ambry internal data). This variant is considered to be rare based on population cohorts in the Genome Aggregation Database (gnomAD). This nucleotide position is highly conserved in available vertebrate species. Based on the majority of available evidence to date, this variant is likely to be pathogenic.

Laboratory of Medical Genetics, National & Kapodistrian University of Athens
Classification: Pathogenic for Marfan syndrome. Last evaluated: 2021-10-01. Review status: criteria provided, single submitter. Criteria: ACMG Guidelines, 2015. Collection method: clinical testing. Allele origin: unknown. Affected: yes.
Comment: PVS1, PM2, PP3

Blueprint Genetics
Classification: Likely pathogenic for FBN1-related disorders. Last evaluated: 2020-07-08. Review status: criteria provided, single submitter. Criteria: ACMG Guidelines, 2015. Collection method: clinical testing. Allele origin: germline. Affected: yes. Observed: 1 variant allele.

Literature cited by the submitters: PubMed 34008892 (cited by Ambry Genetics and Laboratory of Medical Genetics, National & Kapodistrian University of Athens).

NM_000138.5(FBN1):c.2729-2A>G

Gene: FBN1 (fibrillin 1; minus strand). Cytogenetic location: 15q21.1.
Variant type: single nucleotide variant.
Coding change: c.2729-2A>G on transcript NM_000138.5 (MANE Select); the canonical splice acceptor site of the intron before coding-DNA position 2729, A replaced by G.
Molecular consequence: splice acceptor variant.
Genome position (GRCh38, 1-based): chr15:48,492,588, T>C on the plus strand (A>G on the coding strand, the complement: FBN1 is on the minus strand). VCF-style: chr15-48492588-T-C. GRCh37 (hg19) VCF-style: chr15-48784785-T-C.
Other names: c.2729-2A>G (NM_001406716.1).
Identifiers: ClinVar variation 1299630 (VCV001299630.5), dbSNP rs113813525, ClinGen allele CA269535946.
Genomic context (GRCh38, chr15:48,492,588, plus strand): 5'-AGTGTTAACACACAGGCCATTTTTACACACTCCTGGGAACACTTCACATTCATCTATATC[T>C]AAAAAGAAAAAAAAAGTATAAAGTTAATATATCTTTATAATATCATTCTACCTTATTCTA-3'